The following is an entry in ClinVar:

ClinVar aggregate classification (germline): Uncertain significance (1 of 4 stars; one submission).

gnomAD v4.1: 11 of 1,613,662 alleles (0.00068%); highest among the groups gnomAD compares: South Asian, 0.012%; no homozygotes.

Submission:

Labcorp Genetics (formerly Invitae), Labcorp
Classification: Uncertain significance. Last evaluated: 2022-05-12. Review status: criteria provided, single submitter. Criteria: Invitae Variant Classification Sherloc (09022015). Collection method: clinical testing. Allele origin: germline.
Comment: This sequence change replaces glycine, which is neutral and non-polar, with arginine, which is basic and polar, at codon 1359 of the MPDZ protein (p.Gly1359Arg). This variant is present in population databases (no rsID available, gnomAD 0.02%). In summary, the available evidence is currently insufficient to determine the role of this variant in disease. Therefore, it has been classified as a Variant of Uncertain Significance. Algorithms developed to predict the effect of missense changes on protein structure and function (SIFT, PolyPhen-2, Align-GVGD) all suggest that this variant is likely to be disruptive. This variant has not been reported in the literature in individuals affected with MPDZ-related conditions.

NM_001378778.1(MPDZ):c.4075G>C (p.Gly1359Arg)

Gene: MPDZ (multiple PDZ domain crumbs cell polarity complex component; minus strand). Cytogenetic location: 9p23.
Variant type: single nucleotide variant.
Coding change: c.4075G>C on transcript NM_001378778.1 (MANE Select); coding-DNA position 4075, G replaced by C.
Protein change: p.Gly1359Arg; replaces glycine 1359 with arginine.
Molecular consequence: missense variant.
Genome position (GRCh38, 1-based): chr9:13,138,082, C>G on the plus strand (G>C on the coding strand, the complement: MPDZ is on the minus strand). VCF-style: chr9-13138082-C-G. GRCh37 (hg19) VCF-style: chr9-13138081-C-G.
Other names: c.3976G>C, p.Gly1326Arg (NM_001261406.2, NM_001261407.2, NM_001375416.1 and 3 more transcripts); c.4075G>C, p.Gly1359Arg (NM_001330637.2, NM_001375413.1, NM_003829.5); c.3865G>C, p.Gly1289Arg (NM_001375426.1, NM_001375420.1, NM_001375421.1 and 4 more transcripts); c.3667G>C, p.Gly1223Arg (NM_001375427.1); short protein forms G1223R, G1289R, G1359R, G1326R.
Identifiers: ClinVar variation 1993220 (VCV001993220.4), dbSNP rs745696435, ClinGen allele CA189298612.